The following is an entry in ClinVar:

NM_001080449.3(DNA2):c.1220+305A>G

Gene: DNA2 (DNA replication helicase/nuclease 2; minus strand). Cytogenetic location: 10q21.3.
Variant type: single nucleotide variant.
Coding change: c.1220+305A>G on transcript NM_001080449.3 (MANE Select); 305 bases into the intron after coding-DNA position 1220, A replaced by G.
Molecular consequence: intron variant.
Genome position (GRCh38, 1-based): chr10:68,444,616, T>C on the plus strand (A>G on the coding strand, the complement: DNA2 is on the minus strand). VCF-style: chr10-68444616-T-C. GRCh37 (hg19) VCF-style: chr10-70204373-T-C.
Identifiers: ClinVar variation 669719 (VCV000669719.1), dbSNP rs4237317, ClinGen allele CA13223096.

ClinVar aggregate classification (germline): Benign (1 of 4 stars; one submission).

Allele frequency attached by ClinVar (database versions not stated): gnomAD 0.14182 and 0.15326; TOPMed 0.14725; 1000 Genomes Project 30x 0.22423; 1000 Genomes Project 0.23083.
gnomAD v4.1: 22,633 of 147,544 alleles (15%); highest among the groups gnomAD compares: East Asian, 39%; 2,231 homozygotes.

Submission:

GeneDx
Classification: Benign. Last evaluated: 2018-06-16. Review status: criteria provided, single submitter. Criteria: GeneDx Variant Classification (06012015). Collection method: clinical testing. Allele origin: germline. Affected: yes.
Comment: This variant is considered likely benign or benign based on one or more of the following criteria: it is a conservative change, it occurs at a poorly conserved position in the protein, it is predicted to be benign by multiple in silico algorithms, and/or has population frequency not consistent with disease.